The following is an entry in ClinVar:

ClinVar aggregate classification (germline): Likely pathogenic (1 of 4 stars; one submission).

Conditions:
Renal carnitine transport defect (CDSP). Also called: Systemic primary carnitine deficiency; Carnitine transporter deficiency; Carnitine Deficiency, Systemic; CARNITINE DEFICIENCY, SYSTEMIC, DUE TO DEFECT IN RENAL REABSORPTION OF CARNITINE; CARNITINE TRANSPORTER, PLASMA-MEMBRANE, DEFICIENCY OF; CARNITINE UPTAKE DEFECT. Identifiers: Orphanet 158, MedGen C0342788, MONDO:0008919, OMIM 212140.

Submission:

Labcorp Genetics (formerly Invitae), Labcorp
Classification: Likely pathogenic for Renal carnitine transport defect. Last evaluated: 2025-05-19. Review status: criteria provided, single submitter. Criteria: Invitae Variant Classification Sherloc (09022015). Collection method: clinical testing. Allele origin: germline.
Comment: This sequence change replaces proline, which is neutral and non-polar, with glutamine, which is neutral and polar, at codon 68 of the SLC22A5 protein (p.Pro68Gln). This variant is not present in population databases (gnomAD no frequency). This missense change has been observed in individual(s) with clinical features of SLC22A5-related conditions (internal data). Invitae Evidence Modeling of protein sequence and biophysical properties (such as structural, functional, and spatial information, amino acid conservation, physicochemical variation, residue mobility, and thermodynamic stability) indicates that this missense variant is expected to disrupt SLC22A5 protein function with a positive predictive value of 95%. In summary, the currently available evidence indicates that the variant is pathogenic, but additional data are needed to prove that conclusively. Therefore, this variant has been classified as Likely Pathogenic.

NM_003060.4(SLC22A5):c.203C>A (p.Pro68Gln)

Gene: SLC22A5 (solute carrier family 22 member 5; plus strand). Cytogenetic location: 5q31.1.
Variant type: single nucleotide variant.
Coding change: c.203C>A on transcript NM_003060.4 (MANE Select); coding-DNA position 203, C replaced by A.
Protein change: p.Pro68Gln; replaces proline 68 with glutamine.
Molecular consequence: missense variant.
Genome position (GRCh38, 1-based): chr5:132,370,175, C>A. VCF-style: chr5-132370175-C-A. GRCh37 (hg19) VCF-style: chr5-131705867-C-A.
Other names: c.203C>A, p.Pro68Gln (NM_001308122.2); short protein forms P68Q.
Identifiers: ClinVar variation 4751530 (VCV004751530.1).